The following is an entry in ClinVar:

ClinVar aggregate classification (germline): Pathogenic (0 of 4 stars; one submission).

Conditions:
COL11A1-related disorder. Also called: COL11A1-related disorders; COL11A1-related condition.

Submission:

PreventionGenetics, part of Exact Sciences
Classification: Pathogenic for COL11A1-related condition. Last evaluated: 2024-08-11. Review status: no assertion criteria provided. Collection method: clinical testing. Allele origin: germline.
Comment: The COL11A1 c.2607_2608dupAC variant is predicted to result in a frameshift and premature protein termination (p.Arg870Hisfs*4). To our knowledge, this variant has not been reported in the literature or in a large population database, indicating this variant is rare. Frameshift variants in COL11A1 are expected to be pathogenic. This variant is interpreted as pathogenic.

NM_001854.4(COL11A1):c.2607_2608dup (p.Arg870fs)

Gene: COL11A1 (collagen type XI alpha 1 chain; minus strand). Cytogenetic location: 1p21.1.
Variant type: Duplication.
Coding change: c.2607_2608dup on transcript NM_001854.4 (MANE Select); coding-DNA positions 2607 to 2608, 2 bases duplicated (AC; older notation c.2607_2608dupAC).
Protein change: p.Arg870fs; shifts the reading frame from arginine 870.
Molecular consequence: frameshift variant. On other transcripts: non-coding transcript variant (1).
Genome position (GRCh38, 1-based): chr1:102,979,384-102,979,385, GT duplicated on the plus strand (AC on the coding strand, the reverse complement: COL11A1 is on the minus strand); duplicating any 2 consecutive bases within chr1:102,979,384-102,979,386 gives the same sequence; the c. name uses the placement nearest the transcript's 3' end. VCF-style (leftmost placement, unchanged base first): chr1-102979383-C-CGT. GRCh37 (hg19) VCF-style: chr1-103444939-C-CGT.
Other names: c.2490_2491dup, p.Arg831fs (NM_001190709.2); c.2643_2644dup, p.Arg882fs (NM_080629.3); c.2259_2260dup, p.Arg754fs (NM_080630.4); short protein forms R754fs, R831fs, R870fs, R882fs.
Identifiers: ClinVar variation 3345190 (VCV003345190.1).